The following is an entry in ClinVar:

NM_000051.4(ATM):c.311del (p.Phe104fs)

Gene: ATM (ATM serine/threonine kinase; plus strand). Cytogenetic location: 11q22.3.
Variant type: Deletion.
Coding change: c.311del on transcript NM_000051.4 (MANE Select); coding-DNA position 311, one base deleted (T; older notation c.311delT).
Protein change: p.Phe104fs; shifts the reading frame from phenylalanine 104.
Molecular consequence: frameshift variant.
Genome position (GRCh38, 1-based): chr11:108,229,303, T deleted; the last of 2 consecutive T bases (chr11:108,229,302-108,229,303); deleting either gives the same sequence. VCF-style (leftmost placement, unchanged base first): chr11-108229301-CT-C. GRCh37 (hg19) VCF-style: chr11-108100028-CT-C.
Other names: c.311delT (NM_000051.3); c.311del, p.Phe104fs (NM_001351834.2, NM_001351835.2, NM_001351836.2); short protein forms F104fs.
Identifiers: ClinVar variation 453449 (VCV000453449.9), dbSNP rs1555055309, ClinGen allele CA658656145.

ClinVar aggregate classification (germline): Pathogenic. Review status: criteria provided, multiple submitters, no conflicts (2 of 4 stars). 3 submissions from 3 submitters: Pathogenic (3). Last evaluated 2026-01-20.

Conditions:
Hereditary cancer-predisposing syndrome. Also called: Tumor predisposition; Hereditary Cancer Syndrome; Neoplastic Syndromes, Hereditary; Hereditary neoplastic syndrome. Identifiers: Orphanet 140162, MedGen C0027672, MeSH D009386, MONDO:0015356.
Familial cancer of breast. Also called: Hereditary breast cancer; hereditary breast carcinoma; BREAST CANCER, FAMILIAL. Identifiers: Orphanet 227535, MedGen C0346153, MONDO:0016419, OMIM 114480. Disease mechanism: loss of function.
Ataxia-telangiectasia syndrome (AT). Also called: Cerebello-oculocutaneous telangiectasia; Immunodeficiency with ataxia telangiectasia; Ataxia-telangiectasia, complementation group D; AT, COMPLEMENTATION GROUP C; Ataxia-telangiectasia, complementation group E; LOUIS-BAR SYNDROME. Identifiers: Orphanet 100, MedGen C0004135, MONDO:0008840, OMIM 208900.

Submissions (3):

Labcorp Genetics (formerly Invitae), Labcorp
Classification: Pathogenic for Ataxia-telangiectasia syndrome. Last evaluated: 2026-01-20. Review status: criteria provided, single submitter. Criteria: Invitae Variant Classification Sherloc (09022015). Collection method: clinical testing. Allele origin: germline.
Comment: This sequence change creates a premature translational stop signal (p.Phe104Serfs*12) in the ATM gene. It is expected to result in an absent or disrupted protein product. Loss-of-function variants in ATM are known to be pathogenic (PMID: 23807571, 25614872). This variant is not present in population databases (gnomAD no frequency). This variant has not been reported in the literature in individuals affected with ATM-related conditions. ClinVar contains an entry for this variant (Variation ID: 453449). For these reasons, this variant has been classified as Pathogenic.

Ambry Genetics
Classification: Pathogenic for Hereditary cancer-predisposing syndrome. Last evaluated: 2024-10-11. Review status: criteria provided, single submitter. Criteria: Ambry Variant Classification Scheme 2023. Collection method: clinical testing. Allele origin: germline.
Comment: The c.311delT pathogenic mutation, located in coding exon 3 of the ATM gene, results from a deletion of one nucleotide at nucleotide position 311, causing a translational frameshift with a predicted alternate stop codon (p.F104Sfs*12). This variant is considered to be rare based on population cohorts in the Genome Aggregation Database (gnomAD). This alteration is expected to result in loss of function by premature protein truncation or nonsense-mediated mRNA decay. As such, this alteration is interpreted as a disease-causing mutation.

Myriad Genetics, Inc.
Classification: Pathogenic for Familial cancer of breast. Last evaluated: 2024-01-08. Review status: criteria provided, single submitter. Criteria: Myriad Autosomal Dominant, Autosomal Recessive and X-Linked Classification Criteria (2023). Collection method: clinical testing. Allele origin: unknown.
Comment: This variant is considered pathogenic. This variant creates a frameshift predicted to result in premature protein truncation.

Literature cited by the submitters: PubMed 23807571 (cited by Labcorp Genetics (formerly Invitae), Labcorp); PubMed 25614872 (cited by Labcorp Genetics (formerly Invitae), Labcorp).